The following is an entry in ClinVar:

ClinVar aggregate classification (germline): Conflicting classifications of pathogenicity. Review status: criteria provided, conflicting classifications (1 of 4 stars). 8 submissions from 8 submitters: Uncertain significance (3); Benign (1); Likely benign (4). Last evaluated 2026-01-27.

Conditions:
ATM-related disorder. Also called: ATM-related disorders; ATM-related condition.
Hereditary cancer-predisposing syndrome. Also called: Hereditary Cancer Syndrome; Tumor predisposition; Hereditary neoplastic syndrome; Neoplastic Syndromes, Hereditary. Identifiers: Orphanet 140162, MedGen C0027672, MeSH D009386, MONDO:0015356.
Ataxia-telangiectasia syndrome (AT). Also called: ATAXIA-TELANGIECTASIA, COMPLEMENTATION GROUP A; ATAXIA-TELANGIECTASIA, FRESNO VARIANT; Ataxia-telangiectasia; Ataxia-telangiectasia, complementation group E; LOUIS-BAR SYNDROME; Cerebello-oculocutaneous telangiectasia. Identifiers: Orphanet 100, MedGen C0004135, MONDO:0008840, OMIM 208900.
Familial cancer of breast. Also called: Hereditary breast cancer; hereditary breast carcinoma; BREAST CANCER, FAMILIAL. Identifiers: Orphanet 227535, MedGen C0346153, MONDO:0016419, OMIM 114480. Disease mechanism: loss of function.

Allele frequency attached by ClinVar (database versions not stated): gnomAD exomes 0.00001; TOPMed 0.00001.
gnomAD v4.1: 12 of 1,613,946 alleles (0.00074%); highest among the groups gnomAD compares: Non-Finnish European, 0.00068%; no homozygotes.

Submissions (8):

Labcorp Genetics (formerly Invitae), Labcorp
Classification: Likely benign for Ataxia-telangiectasia syndrome. Last evaluated: 2026-01-27. Review status: criteria provided, single submitter. Criteria: Invitae Variant Classification Sherloc (09022015). Collection method: clinical testing. Allele origin: germline.

PreventionGenetics, part of Exact Sciences
Classification: Likely benign for ATM-related condition. Last evaluated: 2025-05-10. Review status: criteria provided, single submitter. Criteria: ACMG Guidelines, 2015. Collection method: clinical testing. Allele origin: germline.
Comment: This variant is classified as likely benign based on ACMG/AMP sequence variant interpretation guidelines (Richards et al. 2015 PMID: 25741868, with internal and published modifications).

Quest Diagnostics Nichols Institute San Juan Capistrano
Classification: Uncertain significance. Last evaluated: 2025-01-14. Review status: criteria provided, single submitter. Criteria: Quest Diagnostics criteria. Collection method: clinical testing. Allele origin: unknown.

Myriad Genetics, Inc.
Classification: Benign for Familial cancer of breast. Last evaluated: 2024-05-10. Review status: criteria provided, single submitter. Criteria: Myriad Autosomal Dominant, Autosomal Recessive and X-Linked Classification Criteria (2023). Collection method: clinical testing. Allele origin: unknown.
Comment: This variant is considered benign. This variant is a silent/synonymous amino acid change and it is not expected to impact splicing.

GeneDx
Classification: Uncertain significance. Last evaluated: 2024-01-29. Review status: criteria provided, single submitter. Criteria: GeneDx Variant Classification Process June 2021. Collection method: clinical testing. Allele origin: germline. Affected: yes.
Comment: Not observed at significant frequency in large population cohorts (gnomAD); In silico analysis supports that this variant does not alter splicing; Has not been previously published as pathogenic or benign to our knowledge

Sema4
Classification: Uncertain significance for Hereditary cancer-predisposing syndrome. Last evaluated: 2021-08-18. Review status: criteria provided, single submitter. Criteria: Sema4 Curation Guidelines. Collection method: curation. Allele origin: germline.
Comment: The ATM c.2908C>T (p.L970=) variant has not been reported in the literature to our knowledge. It was observed in the Genome Aggregation Database (PMID: 32461654). This variant has been reported in ClinVar (Variation ID 414526). The nucleotide is conserved and computational tools suggested that this variant has no effect on splicing, but this prediction has not been confirmed by functional studies. The evidence is insufficient to meet ACMG/AMP criteria for classifying the variant as benign or pathogenic. Thus, the clinical significance of this variant is currently uncertain.

Color Diagnostics, LLC DBA Color Health
Classification: Likely benign for Hereditary cancer-predisposing syndrome. Last evaluated: 2018-11-27. Review status: criteria provided, single submitter. Criteria: ACMG Guidelines, 2015. Collection method: clinical testing. Allele origin: germline.

Ambry Genetics
Classification: Likely benign for Hereditary cancer-predisposing syndrome. Last evaluated: 2015-09-14. Review status: criteria provided, single submitter. Criteria: Ambry Variant Classification Scheme 2023. Collection method: clinical testing. Allele origin: germline.

NM_000051.4(ATM):c.2908C>T (p.Leu970=)

Gene: ATM (ATM serine/threonine kinase; plus strand). Cytogenetic location: 11q22.3.
Variant type: single nucleotide variant.
Coding change: c.2908C>T on transcript NM_000051.4 (MANE Select); coding-DNA position 2908, C replaced by T.
Protein change: p.Leu970=; no amino-acid change (leucine 970 retained).
Molecular consequence: synonymous variant.
Genome position (GRCh38, 1-based): chr11:108,271,133, C>T. VCF-style: chr11-108271133-C-T. GRCh37 (hg19) VCF-style: chr11-108141860-C-T.
Other names: c.2908C>T, p.Leu970= (NM_001351834.2).
Identifiers: ClinVar variation 414526 (VCV000414526.26), dbSNP rs1060504260, ClinGen allele CA16613377.